The following is an entry in ClinVar:

NM_002691.4(POLD1):c.2594A>G (p.Gln865Arg)

Gene: POLD1 (DNA polymerase delta 1, catalytic subunit; plus strand). Cytogenetic location: 19q13.33.
Variant type: single nucleotide variant.
Coding change: c.2594A>G on transcript NM_002691.4 (MANE Select); coding-DNA position 2594, A replaced by G.
Protein change: p.Gln865Arg; replaces glutamine 865 with arginine.
Molecular consequence: missense variant. On other transcripts: non-coding transcript variant (1).
Genome position (GRCh38, 1-based): chr19:50,415,467, A>G. VCF-style: chr19-50415467-A-G. GRCh37 (hg19) VCF-style: chr19-50918724-A-G.
Other names: c.2594A>G, p.Gln865Arg (NM_001256849.1); c.2672A>G, p.Gln891Arg (NM_001308632.1); c.2594A>G (NM_002691.2); short protein forms Q865R, Q891R.
Identifiers: ClinVar variation 574806 (VCV000574806.11), dbSNP rs1568637783, ClinGen allele CA406985362.
Genomic context (GRCh38, chr19:50,415,467, plus strand): 5'-TGGTGACGCTGTGCGGCCCGCTCTCCTACAGAGACCCTGAGGGCGCGGTGGCTCACGCAC[A>G]GGACGTCATCTCGGACCTGCTGTGCAACCGCATCGATATCTCCCAGCTGGTCATCACCAA-3'
Protein context (NP_002682.2, residues 855-875): RDPEGAVAHA[Gln865Arg]DVISDLLCNR

ClinVar aggregate classification (germline): Conflicting classifications of pathogenicity. Review status: criteria provided, conflicting classifications (1 of 4 stars). 2 submissions from 2 submitters: Uncertain significance (1); Likely benign (1). Last evaluated 2025-04-17.

Conditions:
POLD1-related polyposis and colorectal cancer syndrome (CRCS10). Also called: Colorectal cancer 10; COLORECTAL CANCER, SUSCEPTIBILITY TO, ON CHROMOSOME 19q; Colorectal cancer, susceptibility to, 10. Identifiers: Orphanet 220460, MedGen C2675481, MONDO:0012953, OMIM 612591.
Hereditary cancer-predisposing syndrome. Also called: Tumor predisposition; Neoplastic Syndromes, Hereditary; Hereditary Cancer Syndrome; Hereditary neoplastic syndrome. Identifiers: Orphanet 140162, MedGen C0027672, MeSH D009386, MONDO:0015356.

Allele frequency attached by ClinVar (database versions not stated): gnomAD exomes below 0.00001.
gnomAD v4.1: 1 of 1,613,076 alleles (0.000062%); highest among the groups gnomAD compares: Non-Finnish European, 0.000085%; no homozygotes.

Submissions (2):

Labcorp Genetics (formerly Invitae), Labcorp
Classification: Uncertain significance for POLD1-related polyposis and colorectal cancer syndrome. Last evaluated: 2025-04-17. Review status: criteria provided, single submitter. Criteria: Invitae Variant Classification Sherloc (09022015). Collection method: clinical testing. Allele origin: germline.
Comment: This sequence change replaces glutamine, which is neutral and polar, with arginine, which is basic and polar, at codon 865 of the POLD1 protein (p.Gln865Arg). This variant is not present in population databases (gnomAD no frequency). This variant has not been reported in the literature in individuals affected with POLD1-related conditions. ClinVar contains an entry for this variant (Variation ID: 574806). Invitae Evidence Modeling of protein sequence and biophysical properties (such as structural, functional, and spatial information, amino acid conservation, physicochemical variation, residue mobility, and thermodynamic stability) indicates that this missense variant is not expected to disrupt POLD1 protein function with a negative predictive value of 80%. In summary, the available evidence is currently insufficient to determine the role of this variant in disease. Therefore, it has been classified as a Variant of Uncertain Significance.

Ambry Genetics
Classification: Likely benign for Hereditary cancer-predisposing syndrome. Last evaluated: 2025-04-16. Review status: criteria provided, single submitter. Criteria: Ambry Variant Classification Scheme 2023. Collection method: clinical testing. Allele origin: germline.